The following is an entry in ClinVar:

ClinVar aggregate classification (germline): Benign/Likely benign. Review status: criteria provided, multiple submitters, no conflicts (2 of 4 stars). 4 submissions from 4 submitters: Benign (3); Likely benign (1). Last evaluated 2026-09-01.

Conditions:
Joubert syndrome 21 (JBTS21). Identifiers: MedGen C3810212, MONDO:0014288, OMIM 615636.

Allele frequency attached by ClinVar (database versions not stated): gnomAD exomes 0.00576; TOPMed 0.00420; gnomAD 0.00429 and 0.00387; ESP Exome Variant Server 0.00447; ExAC 0.00488; 1000 Genomes Project 30x 0.00109; 1000 Genomes Project 0.00120.
gnomAD v4.1: 8,980 of 1,613,914 alleles (0.56%); highest among the groups gnomAD compares: Non-Finnish European, 0.68%; 30 homozygotes.

Submissions (4):

CeGaT Center for Human Genetics Tuebingen
Classification: Likely benign. Last evaluated: 2026-09-01. Review status: criteria provided, single submitter. Criteria: CeGaT Center For Human Genetics Tuebingen Variant Classification Criteria Version 2. Collection method: clinical testing. Allele origin: germline. Affected: yes. Observed: 30 variant alleles.
Comment: CSPP1: BP4, BS2

Labcorp Genetics (formerly Invitae), Labcorp
Classification: Benign for Joubert syndrome 21. Last evaluated: 2026-01-31. Review status: criteria provided, single submitter. Criteria: Invitae Variant Classification Sherloc (09022015). Collection method: clinical testing. Allele origin: germline.

GeneDx
Classification: Benign. Last evaluated: 2021-01-13. Review status: criteria provided, single submitter. Criteria: GeneDx Variant Classification Process June 2021. Collection method: clinical testing. Allele origin: germline. Affected: yes.
Comment: This variant is associated with the following publications: (PMID: 24360803)

Breakthrough Genomics
Classification: Benign. Review status: criteria provided, single submitter. Criteria: ACMG Guidelines, 2015. Collection method: not provided. Allele origin: germline. Inheritance: Autosomal recessive inheritance. Affected: yes.

NM_001382391.1(CSPP1):c.1391C>G (p.Ser464Cys)

Gene: CSPP1 (centrosome and spindle pole associated protein 1; plus strand). Cytogenetic location: 8q13.2.
Variant type: single nucleotide variant.
Coding change: c.1391C>G on transcript NM_001382391.1 (MANE Select); coding-DNA position 1391, C replaced by G.
Protein change: p.Ser464Cys; replaces serine 464 with cysteine.
Molecular consequence: missense variant.
Genome position (GRCh38, 1-based): chr8:67,116,017, C>G. VCF-style: chr8-67116017-C-G. GRCh37 (hg19) VCF-style: chr8-68028252-C-G.
Other names: c.494C>G, p.Ser165Cys (NM_001291339.2); c.1310C>G, p.Ser437Cys (NM_001363131.2); c.1349C>G, p.Ser450Cys (NM_001363132.2); c.1268C>G, p.Ser423Cys (NM_001363133.2); c.1457C>G, p.Ser486Cys (NM_001364869.1); c.1277C>G, p.Ser426Cys (NM_001364870.1); c.1376C>G, p.Ser459Cys (NM_024790.7); short protein forms S459C, S423C, S486C, S165C, S437C, S426C, S450C, S464C.
Identifiers: ClinVar variation 506852 (VCV000506852.41), dbSNP rs146431326, ClinGen allele CA4770528.